The following is an entry in ClinVar:

ClinVar aggregate classification (germline): Likely benign. Review status: criteria provided, single submitter (1 of 4 stars). 2 submissions from 2 submitters: Likely benign (1). 1 of the submissions does not count toward it. Last evaluated 2025-12-29.

Conditions:
Muscular dystrophy-dystroglycanopathy (congenital with brain and eye anomalies), type A14. Also called: Congenital muscular dystrophy-dystroglycanopathy with brain and eye anomalies, type A14; WALKER-WARBURG SYNDROME OR MUSCLE-EYE-BRAIN DISEASE, GMPPB-RELATED; Muscular dystrophy-dystroglycanopathy (congenital with brain and eye anomalies), type a, 14; Congenital Muscular Dystrophy-Dystroglycanopathy with Brain and Eye Anomalies Type A 14. Identifiers: Orphanet 588, MedGen C3809216, MONDO:0014140, OMIM 615350.
Muscular dystrophy-dystroglycanopathy (congenital with impaired intellectual development), type B, 14. Also called: Congenital muscular dystrophy-dystroglycanopathy with mental retardation, type B14; Muscular dystrophy-dystroglycanopathy (congenital with intellectual disability), type B14; MUSCULAR DYSTROPHY, CONGENITAL, GMPPB-RELATED. Identifiers: MedGen C3809221, MONDO:0014141, OMIM 615351.
Autosomal recessive limb-girdle muscular dystrophy type 2T. Also called: Limb-girdle muscular dystrophy-dystroglycanopathy, type C14; MUSCULAR DYSTROPHY-DYSTROGLYCANOPATHY, LIMB-GIRDLE, GMPPB-RELATED; MUSCULAR DYSTROPHY, LIMB-GIRDLE, TYPE 2T; Muscular dystrophy-dystroglycanopathy (limb-girdle), type c, 14. Identifiers: Orphanet 363623, MedGen C4518000, MONDO:0014142, OMIM 615352.
GMPPB-related disorder. Also called: GMPPB-related disorders; GMPPB-related condition.

Allele frequency attached by ClinVar (database versions not stated): TOPMed 0.00026; 1000 Genomes Project 0.00040; gnomAD exomes 0.00008 and 0.00009; gnomAD 0.00021 and 0.00022; ExAC 0.00013; ESP Exome Variant Server 0.00008; 1000 Genomes Project 30x 0.00031.
gnomAD v4.1: 116 of 1,213,472 alleles (0.0096%); highest among the groups gnomAD compares: East Asian, 0.1%; no homozygotes.

Submissions (2):

Labcorp Genetics (formerly Invitae), Labcorp
Classification: Likely benign for Autosomal recessive limb-girdle muscular dystrophy type 2T; Muscular dystrophy-dystroglycanopathy (congenital with brain and eye anomalies), type A14; Muscular dystrophy-dystroglycanopathy (congenital with impaired intellectual development), type B, 14. Last evaluated: 2025-12-29. Review status: criteria provided, single submitter. Criteria: Invitae Variant Classification Sherloc (09022015). Collection method: clinical testing. Allele origin: germline.

PreventionGenetics, part of Exact Sciences
Classification: Likely benign for GMPPB-related condition. Last evaluated: 2019-04-01. Review status: no assertion criteria provided. Collection method: clinical testing. Allele origin: germline. Not counted in ClinVar's aggregate classification.
Comment: This variant is classified as likely benign based on ACMG/AMP sequence variant interpretation guidelines (Richards et al. 2015 PMID: 25741868, with internal and published modifications).

NM_021971.4(GMPPB):c.939C>T (p.Arg313=)

Gene: GMPPB (GDP-mannose pyrophosphorylase B; minus strand). Cytogenetic location: 3p21.31.
Variant type: single nucleotide variant.
Coding change: c.939C>T on transcript NM_021971.4 (MANE Select); coding-DNA position 939, C replaced by T.
Protein change: p.Arg313=; no amino-acid change (arginine 313 retained).
Molecular consequence: synonymous variant.
Genome position (GRCh38, 1-based): chr3:49,721,977, G>A on the plus strand (C>T on the coding strand, the complement: GMPPB is on the minus strand). VCF-style: chr3-49721977-G-A. GRCh37 (hg19) VCF-style: chr3-49759410-G-A.
Other names: c.939C>T, p.Arg313= (NM_013334.4); c.939C>T (NM_013334.3).
Identifiers: ClinVar variation 715300 (VCV000715300.11), dbSNP rs147714661, ClinGen allele CA2405402.